The following is an entry in ClinVar:

NM_001370259.2(MEN1):c.1823A>C (p.Lys608Thr)

Gene: MEN1 (menin 1; minus strand). Cytogenetic location: 11q13.1.
Variant type: single nucleotide variant.
Coding change: c.1823A>C on transcript NM_001370259.2 (MANE Select); coding-DNA position 1823, A replaced by C.
Protein change: p.Lys608Thr; replaces lysine 608 with threonine.
Molecular consequence: missense variant. On other transcripts: non-coding transcript variant (4).
Genome position (GRCh38, 1-based): chr11:64,804,344, T>G on the plus strand (A>C on the coding strand, the complement: MEN1 is on the minus strand). VCF-style: chr11-64804344-T-G. GRCh37 (hg19) VCF-style: chr11-64571816-T-G.
Other names: c.1949A>C, p.Lys650Thr (NM_001407142.1, NM_001407143.1, NM_001407144.1 and 1 more transcripts); c.1838A>C, p.Lys613Thr (NM_001407145.1, NM_130800.3, NM_130801.3 and 4 more transcripts); c.1823A>C, p.Lys608Thr (NM_001407146.1, NM_001407147.1, NM_130799.3 and 2 more transcripts); c.1718A>C, p.Lys573Thr (NM_001407148.1, NM_001407149.1, NM_001370262.2 and 1 more transcripts); c.1964A>C, p.Lys655Thr (NM_001407150.1); c.1844A>C, p.Lys615Thr (NM_001407151.1); c.1658A>C, p.Lys553Thr (NM_001407152.1); short protein forms K553T, K573T, K608T, K613T, K615T, K650T, K655T.
Identifiers: ClinVar variation 3229088 (VCV003229088.1), dbSNP rs2136076774, ClinGen allele CA381177042.

ClinVar aggregate classification (germline): Uncertain significance (1 of 4 stars; one submission).

Conditions:
Hereditary cancer-predisposing syndrome. Also called: Neoplastic Syndromes, Hereditary; Tumor predisposition; Hereditary neoplastic syndrome; Hereditary Cancer Syndrome. Identifiers: Orphanet 140162, MedGen C0027672, MeSH D009386, MONDO:0015356.

Submission:

Ambry Genetics
Classification: Uncertain significance for Hereditary cancer-predisposing syndrome. Last evaluated: 2023-12-13. Review status: criteria provided, single submitter. Criteria: Ambry Variant Classification Scheme 2023. Collection method: clinical testing. Allele origin: germline.
Comment: The p.K608T variant (also known as c.1823A>C), located in coding exon 9 of the MEN1 gene, results from an A to C substitution at nucleotide position 1823. The lysine at codon 608 is replaced by threonine, an amino acid with similar properties. This amino acid position is conserved. In addition, the in silico prediction for this alteration is inconclusive. Since supporting evidence is limited at this time, the clinical significance of this alteration remains unclear.